The following is an entry in ClinVar:

ClinVar aggregate classification (germline): Benign. Review status: criteria provided, multiple submitters, no conflicts (2 of 4 stars). 4 submissions from 4 submitters: Benign (3). 1 of the submissions does not count toward it. Last evaluated 2026-01-27.

Conditions:
Dystonia 24 (DYT24). Also called: DYT-ANO3. Identifiers: Orphanet 420485, MedGen C3554374, MONDO:0014019, OMIM 615034.
ANO3-related disorder. Also called: ANO3-related condition.
Dystonic disorder. Also called: Dystonia. Identifiers: MedGen C0013421, MONDO:0003441, HP:0001332.

Allele frequency attached by ClinVar (database versions not stated): gnomAD 0.00117 and 0.00122; 1000 Genomes Project 0.00140; TOPMed 0.00144; 1000 Genomes Project 30x 0.00156; ESP Exome Variant Server 0.00161.
gnomAD v4.1: 400 of 1,613,880 alleles (0.025%); highest among the groups gnomAD compares: African/African-American, 0.49%; no homozygotes.

Submissions (4):

Labcorp Genetics (formerly Invitae), Labcorp
Classification: Benign for Dystonic disorder. Last evaluated: 2026-01-27. Review status: criteria provided, single submitter. Criteria: Invitae Variant Classification Sherloc (09022015). Collection method: clinical testing. Allele origin: germline.

Genome-Nilou Lab
Classification: Benign for Dystonia 24. Last evaluated: 2021-12-05. Review status: criteria provided, single submitter. Criteria: ACMG Guidelines, 2015. Collection method: clinical testing. Allele origin: germline. Affected: no.

GeneDx
Classification: Benign. Last evaluated: 2021-02-23. Review status: criteria provided, single submitter. Criteria: GeneDx Variant Classification Process June 2021. Collection method: clinical testing. Allele origin: germline. Affected: yes.

PreventionGenetics, part of Exact Sciences
Classification: Benign for ANO3-related condition. Last evaluated: 2019-06-03. Review status: no assertion criteria provided. Collection method: clinical testing. Allele origin: germline. Not counted in ClinVar's aggregate classification.
Comment: This variant is classified as benign based on ACMG/AMP sequence variant interpretation guidelines (Richards et al. 2015 PMID: 25741868, with internal and published modifications).

NM_031418.4(ANO3):c.1911C>T (p.Phe637=)

Gene: ANO3 (anoctamin 3; plus strand). Cytogenetic location: 11p14.2.
Variant type: single nucleotide variant.
Coding change: c.1911C>T on transcript NM_031418.4 (MANE Select); coding-DNA position 1911, C replaced by T.
Protein change: p.Phe637=; no amino-acid change (phenylalanine 637 retained).
Molecular consequence: synonymous variant.
Genome position (GRCh38, 1-based): chr11:26,634,241, C>T. VCF-style: chr11-26634241-C-T. GRCh37 (hg19) VCF-style: chr11-26655788-C-T.
Other names: c.2094C>T, p.Phe698= (NM_001313726.2); c.1473C>T, p.Phe491= (NM_001313727.2); c.1911C>T (NM_031418.3).
Identifiers: ClinVar variation 455987 (VCV000455987.14), dbSNP rs77422010, ClinGen allele CA5926365.
Genomic context (GRCh38, chr11:26,634,241, plus strand): 5'-AATGCAACCTGTGTTCCTTTTAGAATATCCTCGAACAGAATCAGAGTGGGAAAACAGCTT[C>T]GCCCTGAAGATGTTCCTCTTCCAGTTTGTCAATTTAAACAGTTCCATCTTCTATATCGCT-3'
Protein context (NP_113606.2, residues 627-647): PRTESEWENS[Phe637=]ALKMFLFQFV